The following is an entry in ClinVar:

ClinVar aggregate classification (germline): Benign. Review status: criteria provided, multiple submitters, no conflicts (2 of 4 stars). 3 submissions from 2 submitters: Benign (3). Last evaluated 2021-07-10.

Conditions:
Autosomal recessive nonsyndromic hearing loss 18A. Also called: DEAFNESS, AUTOSOMAL RECESSIVE 18; Deafness, autosomal recessive 18A. Identifiers: Orphanet 90636, MedGen C1865870, MONDO:0011192, OMIM 602092.
Usher syndrome type 1C. Also called: USHER SYNDROME, TYPE I, ACADIAN VARIETY. Identifiers: Orphanet 231169, Orphanet 886, MedGen C1848604, MONDO:0010171, OMIM 276904.

Allele frequency attached by ClinVar (database versions not stated): 1000 Genomes Project 0.09365; gnomAD 0.09546 and 0.09831; 1000 Genomes Project 30x 0.09869; TOPMed 0.10317.
gnomAD v4.1: 14,455 of 152,130 alleles (9.5%); highest among the groups gnomAD compares: African/African-American, 17%; 872 homozygotes.

Submissions (3):

Genome-Nilou Lab
Classification: Benign for Usher syndrome type 1C. Last evaluated: 2021-07-10. Review status: criteria provided, single submitter. Criteria: ACMG Guidelines, 2015. Collection method: clinical testing. Allele origin: germline. Affected: no.

Genome-Nilou Lab
Classification: Benign for Autosomal recessive nonsyndromic hearing loss 18A. Last evaluated: 2021-07-10. Review status: criteria provided, single submitter. Criteria: ACMG Guidelines, 2015. Collection method: clinical testing. Allele origin: germline. Affected: no.

GeneDx
Classification: Benign. Last evaluated: 2018-06-14. Review status: criteria provided, single submitter. Criteria: GeneDx Variant Classification (06012015). Collection method: clinical testing. Allele origin: germline. Affected: yes.
Comment: This variant is considered likely benign or benign based on one or more of the following criteria: it is a conservative change, it occurs at a poorly conserved position in the protein, it is predicted to be benign by multiple in silico algorithms, and/or has population frequency not consistent with disease.

NM_153676.4(USH1C):c.2226+197G>A

Gene: USH1C (USH1 protein network component harmonin; minus strand). Cytogenetic location: 11p15.1.
Variant type: single nucleotide variant.
Coding change: c.2226+197G>A on transcript NM_153676.4 (MANE Select); 197 bases into the intron after coding-DNA position 2226, G replaced by A.
Molecular consequence: intron variant.
Genome position (GRCh38, 1-based): chr11:17,501,742, C>T on the plus strand (G>A on the coding strand, the complement: USH1C is on the minus strand). VCF-style: chr11-17501742-C-T. GRCh37 (hg19) VCF-style: chr11-17523289-C-T.
Other names: c.1269+197G>A (NM_001297764.2); c.1326+197G>A (NM_005709.4).
Identifiers: ClinVar variation 670420 (VCV000670420.4), dbSNP rs12270644, ClinGen allele CA218487335.